The following is an entry in ClinVar:

ClinVar aggregate classification (germline): Uncertain significance. Review status: criteria provided, multiple submitters, no conflicts (2 of 4 stars). 4 submissions from 4 submitters: Uncertain significance (4). Last evaluated 2025-09-22.

Conditions:
Inborn genetic diseases. Identifiers: MedGen C0950123, MeSH D030342.
Developmental and epileptic encephalopathy, 9 (DEE9). Also called: Early infantile epileptic encephalopathy 9; JUBERG-HELLMAN SYNDROME; PCDH19-Related X-Linked Female-Limited Epilepsy with Mental Retardation; EPILEPSY, FEMALE-RESTRICTED, WITH MENTAL RETARDATION. Identifiers: Orphanet 101039, Orphanet 2076, MedGen C1848137, MONDO:0010246, OMIM 300088. Disease mechanism: loss of function.

Allele frequency attached by ClinVar (database versions not stated): gnomAD exomes 0.00002 and 0.00003; ExAC 0.00005; gnomAD 0.00005 and below 0.00001; 1000 Genomes Project 30x 0.00083; 1000 Genomes Project 0.00106; TOPMed 0.00001.
gnomAD v4.1: 33 of 1,209,790 alleles (0.0027%); highest among the groups gnomAD compares: South Asian, 0.055%; no homozygotes.

Submissions (4):

Ambry Genetics
Classification: Uncertain significance for Inborn genetic diseases. Last evaluated: 2025-09-22. Review status: criteria provided, single submitter. Criteria: Ambry Variant Classification Scheme 2023. Collection method: clinical testing. Allele origin: germline.

Labcorp Genetics (formerly Invitae), Labcorp
Classification: Uncertain significance for Developmental and epileptic encephalopathy, 9. Last evaluated: 2023-10-20. Review status: criteria provided, single submitter. Criteria: Invitae Variant Classification Sherloc (09022015). Collection method: clinical testing. Allele origin: germline.
Comment: This sequence change replaces isoleucine, which is neutral and non-polar, with valine, which is neutral and non-polar, at codon 101 of the PCDH19 protein (p.Ile101Val). This variant is present in population databases (rs779017688, gnomAD 0.03%). This variant has not been reported in the literature in individuals affected with PCDH19-related conditions. ClinVar contains an entry for this variant (Variation ID: 193194). Advanced modeling of protein sequence and biophysical properties (such as structural, functional, and spatial information, amino acid conservation, physicochemical variation, residue mobility, and thermodynamic stability) performed at Invitae indicates that this missense variant is not expected to disrupt PCDH19 protein function. In summary, the available evidence is currently insufficient to determine the role of this variant in disease. Therefore, it has been classified as a Variant of Uncertain Significance.

GeneDx
Classification: Uncertain significance. Last evaluated: 2016-08-08. Review status: criteria provided, single submitter. Criteria: GeneDx Variant Classification (06012015). Collection method: clinical testing. Allele origin: germline. Affected: yes.
Comment: The I101V variant has not been published as a mutation, nor has it been reported as a benign polymorphism to our knowledge. It was not observed in approximately 5,200 individuals of European and African American ancestry in the NHLBI Exome Sequencing Project, indicating it is not a common benign variant in these populations. This substitution occurs at a position that is conserved across species in the first extracellular cadherin domain of the protein, and other missense mutations have been reported in this region of the protein in association with epilepsy. However, the I101V variant is a conservative amino acid substitution, which is not likely to impact secondary protein structure as these residues share similar properties and in silico analysis predicts this variant likely does not alter the protein structure/function. Therefore, based on the currently available information, it is unclear whether this variant is a pathogenic mutation or a rare benign variant.

Eurofins Ntd Llc (ga)
Classification: Uncertain significance. Last evaluated: 2014-06-22. Review status: criteria provided, single submitter. Criteria: EGL Classification Definitions 2015. Collection method: clinical testing. Allele origin: germline. Observed: 1 variant allele, 1 hemizygote.

NM_001184880.2(PCDH19):c.301A>G (p.Ile101Val)

Gene: PCDH19 (protocadherin 19; minus strand). Cytogenetic location: Xq22.1.
Variant type: single nucleotide variant.
Coding change: c.301A>G on transcript NM_001184880.2 (MANE Select); coding-DNA position 301, A replaced by G.
Protein change: p.Ile101Val; replaces isoleucine 101 with valine.
Molecular consequence: missense variant.
Genome position (GRCh38, 1-based): chrX:100,408,297, T>C on the plus strand (A>G on the coding strand, the complement: PCDH19 is on the minus strand). VCF-style: chrX-100408297-T-C. GRCh37 (hg19) VCF-style: chrX-99663295-T-C.
Other names: p.I101V:ATC>GTC; c.301A>G, p.Ile101Val (NM_001105243.2, NM_020766.3); short protein forms I101V.
Identifiers: ClinVar variation 193194 (VCV000193194.15), dbSNP rs779017688, ClinGen allele CA238705.